The following is an entry in ClinVar:

NM_021224.6(ZNF462):c.5307C>T (p.Cys1769=)

Gene: ZNF462 (zinc finger protein 462; plus strand). Cytogenetic location: 9q31.2.
Variant type: single nucleotide variant.
Coding change: c.5307C>T on transcript NM_021224.6 (MANE Select); coding-DNA position 5307, C replaced by T.
Protein change: p.Cys1769=; no amino-acid change (cysteine 1769 retained).
Molecular consequence: synonymous variant. On other transcripts: intron variant (1).
Genome position (GRCh38, 1-based): chr9:106,929,219, C>T. VCF-style: chr9-106929219-C-T. GRCh37 (hg19) VCF-style: chr9-109691500-C-T.
Other names: c.3253-1306C>T (NM_001347997.2).
Identifiers: ClinVar variation 3058917 (VCV003058917.2), dbSNP rs1830326008, ClinGen allele CA466414986.

ClinVar aggregate classification (germline): Likely benign (0 of 4 stars; one submission).

Conditions:
ZNF462-related disorder. Also called: ZNF462-related condition; ZNF462 related disease.

Allele frequency attached by ClinVar (database versions not stated): gnomAD exomes below 0.00001; TOPMed 0.00004.
gnomAD v4.1: 2 of 1,614,220 alleles (0.00012%); highest among the groups gnomAD compares: Non-Finnish European, 0.000085%; no homozygotes.

Submission:

PreventionGenetics, part of Exact Sciences
Classification: Likely benign for ZNF462-related condition. Last evaluated: 2021-08-24. Review status: no assertion criteria provided. Collection method: clinical testing. Allele origin: germline.
Comment: This variant is classified as likely benign based on ACMG/AMP sequence variant interpretation guidelines (Richards et al. 2015 PMID: 25741868, with internal and published modifications).